The following is an entry in ClinVar:

NM_012414.4(RAB3GAP2):c.3G>A (p.Met1Ile)

Gene: RAB3GAP2 (RAB3 GTPase activating non-catalytic protein subunit 2; minus strand). Cytogenetic location: 1q41.
Variant type: single nucleotide variant.
Coding change: c.3G>A on transcript NM_012414.4 (MANE Select); coding-DNA position 3, G replaced by A.
Protein change: p.Met1Ile; changes the start codon (methionine 1).
Molecular consequence: missense variant, initiator codon variant.
Genome position (GRCh38, 1-based): chr1:220,272,335, C>T on the plus strand (G>A on the coding strand, the complement: RAB3GAP2 is on the minus strand). VCF-style: chr1-220272335-C-T. GRCh37 (hg19) VCF-style: chr1-220445677-C-T.
Other names: short protein forms M1I.
Identifiers: ClinVar variation 1285437 (VCV001285437.2), dbSNP rs1381192866, ClinGen allele CA344734794.

ClinVar aggregate classification (germline): Uncertain significance (1 of 4 stars; one submission).

Conditions:
Warburg micro syndrome 2 (WARBM2). Also called: MICRO SYNDROME 2. Identifiers: Orphanet 2510, MedGen C3280214, MONDO:0013641, OMIM 614225.

Submission:

Institute of Human Genetics, University of Leipzig Medical Center
Classification: Uncertain significance for Warburg micro syndrome 2. Last evaluated: 2020-11-03. Review status: criteria provided, single submitter. Criteria: ACMG Guidelines, 2015. Collection method: clinical testing. Allele origin: unknown. Affected: yes.
Comment: Despite strong evidence for its pathogenicity, this variant has to be classified as of unknown significance, according to the ACMG-criteria (Richards et al., 2015)